The following is an entry in ClinVar:

NM_000316.3(PTH1R):c.1182C>T (p.Ala394=)

Gene: PTH1R (parathyroid hormone 1 receptor; plus strand). Cytogenetic location: 3p21.31.
Variant type: single nucleotide variant.
Coding change: c.1182C>T on transcript NM_000316.3 (MANE Select); coding-DNA position 1182, C replaced by T.
Protein change: p.Ala394=; no amino-acid change (alanine 394 retained).
Molecular consequence: synonymous variant.
Genome position (GRCh38, 1-based): chr3:46,901,831, C>T. VCF-style: chr3-46901831-C-T. GRCh37 (hg19) VCF-style: chr3-46943321-C-T.
Other names: c.1182C>T, p.Ala394= (NM_001184744.1).
Identifiers: ClinVar variation 903131 (VCV000903131.36), dbSNP rs151330461, ClinGen allele CA2359432.

ClinVar aggregate classification (germline): Conflicting classifications of pathogenicity. Review status: criteria provided, conflicting classifications (1 of 4 stars). 4 submissions from 3 submitters: Uncertain significance (1); Benign (1); Likely benign (2). Last evaluated 2024-09-23.

Conditions:
Metaphyseal chondrodysplasia, Jansen type. Also called: Metaphyseal chondrodysplasia Murk Jansen type; PTH1R-Related Jansen Metaphyseal Chondrodysplasia. Identifiers: Orphanet 33067, MedGen C0265295, MONDO:0007982, OMIM 156400.
Chondrodysplasia Blomstrand type (BOCD). Identifiers: Orphanet 50945, MedGen C1859148, MONDO:0008970, OMIM 215045.

Allele frequency attached by ClinVar (database versions not stated): gnomAD exomes 0.00006 and 0.00008; gnomAD 0.00007; ExAC 0.00009; TOPMed 0.00009; ESP Exome Variant Server 0.00023.
gnomAD v4.1: 97 of 1,613,840 alleles (0.006%); highest among the groups gnomAD compares: East Asian, 0.0089%; no homozygotes.

Submissions (4):

Labcorp Genetics (formerly Invitae), Labcorp
Classification: Likely benign. Last evaluated: 2024-09-23. Review status: criteria provided, single submitter. Criteria: Invitae Variant Classification Sherloc (09022015). Collection method: clinical testing. Allele origin: germline.

CeGaT Center for Human Genetics Tuebingen
Classification: Likely benign. Last evaluated: 2024-01-01. Review status: criteria provided, single submitter. Criteria: CeGaT Center For Human Genetics Tuebingen Variant Classification Criteria Version 2. Collection method: clinical testing. Allele origin: germline. Affected: yes. Observed: 1 variant allele.
Comment: PTH1R: BP4, BP7

Illumina Laboratory Services, Illumina
Classification: Uncertain significance for Chondrodysplasia Blomstrand type. Last evaluated: 2017-04-27. Review status: criteria provided, single submitter. Criteria: ICSL Variant Classification Criteria 13 December 2019. Collection method: clinical testing. Allele origin: germline.

Illumina Laboratory Services, Illumina
Classification: Benign for Metaphyseal chondrodysplasia, Jansen type. Last evaluated: 2017-04-27. Review status: criteria provided, single submitter. Criteria: ICSL Variant Classification Criteria 13 December 2019. Collection method: clinical testing. Allele origin: germline.
Comment: This variant was observed as part of a predisposition screen in an ostensibly healthy population. A literature search was performed for the gene, cDNA change, and amino acid change (where applicable). No publications were found based on this search. Allele frequency data from public databases was too high to be consistent with this variant causing disease. Therefore, this variant is classified as benign.